The following is an entry in ClinVar:

NM_001042492.3(NF1):c.7065T>G (p.Ser2355Arg)

Gene: NF1 (neurofibromin 1; plus strand). Cytogenetic location: 17q11.2.
Variant type: single nucleotide variant.
Coding change: c.7065T>G on transcript NM_001042492.3 (MANE Select); coding-DNA position 7065, T replaced by G.
Protein change: p.Ser2355Arg; replaces serine 2355 with arginine.
Molecular consequence: missense variant.
Genome position (GRCh38, 1-based): chr17:31,343,011, T>G. VCF-style: chr17-31343011-T-G. GRCh37 (hg19) VCF-style: chr17-29670029-T-G.
Other names: c.7002T>G, p.Ser2334Arg (NM_000267.4); short protein forms S2334R, S2355R.
Identifiers: ClinVar variation 584540 (VCV000584540.3), dbSNP rs1567620376, ClinGen allele CA399015506.
Genomic context (GRCh38, chr17:31,343,011, plus strand): 5'-CCTTTAAAGAAAGCTACTGTGTGAACCTCATCAACCATCTCATGATTATCTTTAATAGAG[T>G]CCAGAGGAAGTATTTATGGCAATCCGGAATCCTCTGGAGTGGCACTGCAAGCAAATGGAT-3'
Protein context (NP_001035957.1, residues 2345-2365): LDSLRIFNDK[Ser2355Arg]PEEVFMAIRN

ClinVar aggregate classification (germline): Uncertain significance. Review status: criteria provided, multiple submitters, no conflicts (2 of 4 stars). 2 submissions from 2 submitters: Uncertain significance (2). Last evaluated 2025-01-29.

Conditions:
Hereditary cancer-predisposing syndrome. Also called: Neoplastic Syndromes, Hereditary; Hereditary Cancer Syndrome; Tumor predisposition; Hereditary neoplastic syndrome. Identifiers: Orphanet 140162, MedGen C0027672, MeSH D009386, MONDO:0015356.
Neurofibromatosis, type 1 (NF1). Also called: Peripheral type neurofibromatosis; VON RECKLINGHAUSEN DISEASE; NEUROFIBROMATOSIS, TYPE I, SOMATIC; Neurofibromatosis, type I. Identifiers: Orphanet 636, MedGen C0027831, MONDO:0018975, OMIM 162200. Disease mechanism: loss of function.

Allele frequency attached by ClinVar (database versions not stated): gnomAD exomes below 0.00001.
gnomAD v4.1: 1 of 1,613,956 alleles (0.000062%); highest among the groups gnomAD compares: Non-Finnish European, 0.000085%; no homozygotes.

Submissions (2):

Labcorp Genetics (formerly Invitae), Labcorp
Classification: Uncertain significance for Neurofibromatosis, type 1. Last evaluated: 2025-01-29. Review status: criteria provided, single submitter. Criteria: Invitae Variant Classification Sherloc (09022015). Collection method: clinical testing. Allele origin: germline.
Comment: This sequence change replaces serine, which is neutral and polar, with arginine, which is basic and polar, at codon 2334 of the NF1 protein (p.Ser2334Arg). This variant is not present in population databases (gnomAD no frequency). This variant has not been reported in the literature in individuals affected with NF1-related conditions. ClinVar contains an entry for this variant (Variation ID: 584540). An algorithm developed to predict the effect of missense changes on protein structure and function (PolyPhen-2) suggests that this variant is likely to be disruptive. In summary, the available evidence is currently insufficient to determine the role of this variant in disease. Therefore, it has been classified as a Variant of Uncertain Significance.

GeneKor MSA
Classification: Uncertain significance for Hereditary cancer-predisposing syndrome. Last evaluated: 2018-08-01. Review status: criteria provided, single submitter. Criteria: ACMG Guidelines, 2015. Collection method: clinical testing. Allele origin: germline. Affected: yes.